The following is an entry in ClinVar:

NC_012920.1(MT-ATP8):m.8472dup

Gene: MT-ATP8 (mitochondrially encoded ATP synthase 8; plus strand).
Variant type: Duplication.
Genome position: chrM-8470-A-AC.
Identifiers: ClinVar variation 4795904 (VCV004795904.1).
Genomic context (GRCh38, chrMT:8,470, plus strand): 5'-CATACTCCTTACACTATTCCTCATCACCCAACTAAAAATATTAAACACAAACTACCACCT[A>AC]CCTCCCTCACCAAAGCCCATAAAAATAAAAAATTATAACAAACCCTGAGAACCAAAATGA-3'

ClinVar aggregate classification (germline): Likely pathogenic (1 of 4 stars; one submission).

Conditions:
Primary Mitochondrial Disorders. Identifiers: MedGen CN381104.

Submission:

Variantyx, Inc.
Classification: Likely pathogenic for Primary mitochondrial disorders. Last evaluated: 2025-11-05. Review status: criteria provided, single submitter. Criteria: Variantyx Assertion Criteria 2022. Collection method: clinical testing. Allele origin: germline.
Comment: The m.8472dup, c.107dupC, p.Pro37fs change is a frameshift single nucleotide variant in the MT-ATP8 gene. Pathogenic variants in this gene have been associated with primary mitochondrial disorders. This variant introduces a premature termination codon, and is expected to alter or truncate 45.5% of the protein (PVS1_Strong). This variant is absent from control populations (PM2). Based on the current evidence, this variant is classified as likely pathogenic for primary mitochondrial disorders.